The following is an entry in ClinVar:

NM_000693.4(ALDH1A3):c.845G>A (p.Gly282Glu)

Genes: ALDH1A3 (aldehyde dehydrogenase 1 family member A3; plus strand), ALDH1A3-AS1 (ALDH1A3 antisense RNA 1; minus strand). Cytogenetic location: 15q26.3.
Variant type: single nucleotide variant.
Coding change: c.845G>A on transcript NM_000693.4 (MANE Select); coding-DNA position 845, G replaced by A.
Protein change: p.Gly282Glu; replaces glycine 282 with glutamic acid.
Molecular consequence: missense variant.
Genome position (GRCh38, 1-based): chr15:100,898,147, G>A. VCF-style: chr15-100898147-G-A. GRCh37 (hg19) VCF-style: chr15-101438352-G-A.
Other names: c.524G>A, p.Gly175Glu (NM_001293815.2); short protein forms G282E, G175E.
Identifiers: ClinVar variation 429799 (VCV000429799.7), dbSNP rs547918064, ClinGen allele CA393942779.
Genomic context (GRCh38, chr15:100,898,147, plus strand): 5'-GAAAACTGGTTAAAGAAGCTGCGTCCCGGAGCAATCTGAAGCGGGTGACGCTGGAGCTGG[G>A]GGGGAAGAACCCCTGCATCGTGTGTGCGGACGCTGACTGTGAGTCTCTGCCCTCCTGGGC-3'
Protein context (NP_000684.2, residues 272-292): SNLKRVTLEL[Gly282Glu]GKNPCIVCAD

ClinVar aggregate classification (germline): Conflicting classifications of pathogenicity. Review status: criteria provided, conflicting classifications (1 of 4 stars). 2 submissions from 2 submitters: Likely pathogenic (1); Uncertain significance (1). Last evaluated 2022-09-07.

Conditions:
Isolated microphthalmia 8. Identifiers: Orphanet 2542, MedGen C3554524, MONDO:0014050, OMIM 615113.

Allele frequency attached by ClinVar (database versions not stated): TOPMed 0.00002; gnomAD 0.00003.
gnomAD v4.1: 15 of 1,614,076 alleles (0.00093%); highest among the groups gnomAD compares: South Asian, 0.0033%; no homozygotes.

Submissions (2):

Labcorp Genetics (formerly Invitae), Labcorp
Classification: Uncertain significance for Isolated microphthalmia 8. Last evaluated: 2022-09-07. Review status: criteria provided, single submitter. Criteria: Invitae Variant Classification Sherloc (09022015). Collection method: clinical testing. Allele origin: germline.
Comment: This sequence change replaces glycine, which is neutral and non-polar, with glutamic acid, which is acidic and polar, at codon 282 of the ALDH1A3 protein (p.Gly282Glu). This variant is present in population databases (no rsID available, gnomAD 0.01%). This variant has not been reported in the literature in individuals affected with ALDH1A3-related conditions. ClinVar contains an entry for this variant (Variation ID: 429799). Advanced modeling of protein sequence and biophysical properties (such as structural, functional, and spatial information, amino acid conservation, physicochemical variation, residue mobility, and thermodynamic stability) performed at Invitae indicates that this missense variant is expected to disrupt ALDH1A3 protein function. In summary, the available evidence is currently insufficient to determine the role of this variant in disease. Therefore, it has been classified as a Variant of Uncertain Significance.

GeneDx
Classification: Likely pathogenic. Last evaluated: 2015-11-04. Review status: criteria provided, single submitter. Criteria: GeneDx Variant Classification (06012015). Collection method: clinical testing. Allele origin: germline. Affected: yes.
Comment: The G282E variant in the ALDH1A3 gene has not been reported previously as a pathogenic variant, nor as a benign variant, to our knowledge. The G282E variant was not observed in approximately 6500 individuals of European and African American ancestry in the NHLBI Exome Sequencing Project, indicating it is not a common benign variant in these populations. The G282E variant is a non-conservative amino acid substitution, which occurs at a position that is conserved across species. In silico analysis predicts this variant is probably damaging to the protein structure/function. The G282E variant is a strong candidate for a pathogenic variant, however the possibility it may be a rare benign variant cannot be excluded.